The following is an entry in ClinVar:

NM_172107.4(KCNQ2):c.*5904C>G

Gene: KCNQ2 (potassium voltage-gated channel subfamily Q member 2; minus strand). Cytogenetic location: 20q13.33.
Variant type: single nucleotide variant.
Coding change: c.*5904C>G on transcript NM_172107.4 (MANE Select); 5904 bases downstream of the stop codon, C replaced by G.
Molecular consequence: 3 prime UTR variant.
Genome position (GRCh38, 1-based): chr20:63,400,740, G>C on the plus strand (C>G on the coding strand, the complement: KCNQ2 is on the minus strand). VCF-style: chr20-63400740-G-C. GRCh37 (hg19) VCF-style: chr20-62032093-G-C.
Other names: c.*5904C>G (NM_001382235.1, NM_004518.6, NM_172106.3 and 1 more transcripts).
Identifiers: ClinVar variation 2578911 (VCV002578911.25), dbSNP rs540854321, ClinGen allele CA317414905.

ClinVar aggregate classification (germline): Likely benign (1 of 4 stars; one submission).

Allele frequency attached by ClinVar (database versions not stated): 1000 Genomes Project 30x 0.00094.
gnomAD v4.1: 415 of 398,508 alleles (0.1%); highest among the groups gnomAD compares: Admixed American, 0.26%; no homozygotes.

Submission:

CeGaT Center for Human Genetics Tuebingen
Classification: Likely benign. Last evaluated: 2023-06-01. Review status: criteria provided, single submitter. Criteria: CeGaT Center For Human Genetics Tuebingen Variant Classification Criteria Version 2. Collection method: clinical testing. Allele origin: germline. Affected: yes. Observed: 3 variant alleles.
Comment: KCNQ2: BS1